The following is an entry in ClinVar:

ClinVar aggregate classification (germline): Benign/Likely benign. Review status: criteria provided, multiple submitters, no conflicts (2 of 4 stars). 3 submissions from 3 submitters: Benign (1); Likely benign (2). Last evaluated 2026-07-23.

Conditions:
Hereditary cancer-predisposing syndrome. Also called: Hereditary neoplastic syndrome; Neoplastic Syndromes, Hereditary; Tumor predisposition; Hereditary Cancer Syndrome. Identifiers: Orphanet 140162, MedGen C0027672, MeSH D009386, MONDO:0015356.
Rhabdoid tumor predisposition syndrome 2 (RTPS2). Identifiers: Orphanet 231108, Orphanet 69077, MedGen C2750074, MONDO:0013224, OMIM 613325.

Allele frequency attached by ClinVar (database versions not stated): gnomAD 0.00001.
gnomAD v4.1: 1 of 1,553,456 alleles (0.000064%); highest among the groups gnomAD compares: African/African-American, 0.0014%; no homozygotes.

Submissions (3):

Myriad Genetics, Inc.
Classification: Benign for Rhabdoid tumor predisposition syndrome 2. Last evaluated: 2026-07-23. Review status: criteria provided, single submitter. Criteria: Myriad Autosomal Dominant, Autosomal Recessive and X-Linked Classification Criteria (2023). Collection method: clinical testing. Allele origin: unknown.
Comment: This variant is considered benign. This variant is a silent/synonymous amino acid change and it is not expected to impact splicing.

Labcorp Genetics (formerly Invitae), Labcorp
Classification: Likely benign for Rhabdoid tumor predisposition syndrome 2. Last evaluated: 2025-12-03. Review status: criteria provided, single submitter. Criteria: Invitae Variant Classification Sherloc (09022015). Collection method: clinical testing. Allele origin: germline.

Ambry Genetics
Classification: Likely benign for Hereditary cancer-predisposing syndrome. Last evaluated: 2015-07-10. Review status: criteria provided, single submitter. Criteria: Ambry Variant Classification Scheme 2023. Collection method: clinical testing. Allele origin: germline.

NM_003072.5(SMARCA4):c.4809G>A (p.Glu1603=)

Gene: SMARCA4 (SWI/SNF related BAF chromatin remodeling complex subunit ATPase 4; plus strand). Cytogenetic location: 19p13.2.
Variant type: single nucleotide variant.
Coding change: c.4809G>A on transcript NM_003072.5 (MANE Select); coding-DNA position 4809, G replaced by A.
Protein change: p.Glu1603=; no amino-acid change (glutamic acid 1603 retained).
Molecular consequence: synonymous variant. On other transcripts: non-coding transcript variant (1).
Genome position (GRCh38, 1-based): chr19:11,060,085, G>A. VCF-style: chr19-11060085-G-A. GRCh37 (hg19) VCF-style: chr19-11170761-G-A.
Other names: c.4809G>A, p.Glu1603= (NM_001128844.3); c.4719G>A, p.Glu1573= (NM_001128845.2); c.4716G>A, p.Glu1572= (NM_001128846.2); c.4710G>A, p.Glu1570= (NM_001128847.4, NM_001374457.1); c.4707G>A, p.Glu1569= (NM_001128848.2); c.4905G>A, p.Glu1635= (NM_001128849.3).
Identifiers: ClinVar variation 794803 (VCV000794803.14), dbSNP rs1600648237, ClinGen allele CA505495414.
Genomic context (GRCh38, chr19:11,060,085, plus strand): 5'-TCCCTCCCGGTCCCCTCCAGCTCGGTCCGTCAAAGTGAAGATCAAGCTTGGCCGGAAGGA[G>A]AAGGCACAGGACCGGCTGAAGGGCGGCCGGCGGCGGCCGAGCCGAGGGTCCCGAGCCAAG-3'
Protein context (NP_003063.2, residues 1593-1613): VKVKIKLGRK[Glu1603=]KAQDRLKGGR